The following is an entry in ClinVar:

NM_004320.6(ATP2A1):c.2398G>C (p.Asp800His)

Gene: ATP2A1 (ATPase sarcoplasmic/endoplasmic reticulum Ca2+ transporting 1; plus strand). Cytogenetic location: 16p11.2.
Variant type: single nucleotide variant.
Coding change: c.2398G>C on transcript NM_004320.6 (MANE Select); coding-DNA position 2398, G replaced by C.
Protein change: p.Asp800His; replaces aspartic acid 800 with histidine.
Molecular consequence: missense variant.
Genome position (GRCh38, 1-based): chr16:28,902,260, G>C. VCF-style: chr16-28902260-G-C. GRCh37 (hg19) VCF-style: chr16-28913581-G-C.
Other names: c.2023G>C, p.Asp675His (NM_001286075.2); c.2398G>C, p.Asp800His (NM_173201.5); short protein forms D675H, D800H.
Identifiers: ClinVar variation 1477771 (VCV001477771.8), dbSNP rs752797728, ClinGen allele CA395413767.
Genomic context (GRCh38, chr16:28,902,260, plus strand): 5'-GCCCTGGGGCTGCCTGAGGCCCTGATCCCGGTGCAGCTGCTATGGGTGAACTTGGTGACC[G>C]ACGGGCTCCCAGCCACAGCCCTGGGCTTCAACCCACCAGACCTGGACATCATGGACCGCC-3'
Protein context (NP_004311.1, residues 790-810): VQLLWVNLVT[Asp800His]GLPATALGFN

ClinVar aggregate classification (germline): Uncertain significance (1 of 4 stars; one submission).

Conditions:
Brody myopathy. Also called: BRODY DISEASE. Identifiers: Orphanet 53347, MedGen C1832918, MONDO:0010977, OMIM 601003.

Submission:

Labcorp Genetics (formerly Invitae), Labcorp
Classification: Uncertain significance for Brody myopathy. Last evaluated: 2021-07-12. Review status: criteria provided, single submitter. Criteria: Invitae Variant Classification Sherloc (09022015). Collection method: clinical testing. Allele origin: germline.
Comment: This variant has not been reported in the literature in individuals affected with ATP2A1-related conditions. In summary, the available evidence is currently insufficient to determine the role of this variant in disease. Therefore, it has been classified as a Variant of Uncertain Significance. Algorithms developed to predict the effect of missense changes on protein structure and function (SIFT, PolyPhen-2, Align-GVGD) all suggest that this variant is likely to be disruptive. This variant is not present in population databases (ExAC no frequency). This sequence change replaces aspartic acid with histidine at codon 800 of the ATP2A1 protein (p.Asp800His). The aspartic acid residue is highly conserved and there is a moderate physicochemical difference between aspartic acid and histidine.